The following is an entry in ClinVar:

ClinVar aggregate classification (germline): Uncertain significance (1 of 4 stars; one submission).

Conditions:
Early Myoclonic Encephalopathy. Identifiers: MedGen C0270855.

Submission:

Labcorp Genetics (formerly Invitae), Labcorp
Classification: Uncertain significance for Early Myoclonic Encephalopathy. Last evaluated: 2019-05-23. Review status: criteria provided, single submitter. Criteria: Invitae Variant Classification Sherloc (09022015). Collection method: clinical testing. Allele origin: germline.
Comment: This variant is not present in population databases (ExAC no frequency). This sequence change replaces arginine with leucine at codon 1198 of the JMJD1C protein (p.Arg1198Leu). The arginine residue is highly conserved and there is a moderate physicochemical difference between arginine and leucine. This variant has not been reported in the literature in individuals with JMJD1C-related conditions. Algorithms developed to predict the effect of missense changes on protein structure and function are either unavailable or do not agree on the potential impact of this missense change (SIFT: "Deleterious"; PolyPhen-2: "Probably Damaging"; Align-GVGD: "Class C0"). In summary, the available evidence is currently insufficient to determine the role of this variant in disease. Therefore, it has been classified as a Variant of Uncertain Significance.

NM_032776.3(JMJD1C):c.3593G>T (p.Arg1198Leu)

Gene: JMJD1C (jumonji domain containing 1C; minus strand). Cytogenetic location: 10q21.3.
Variant type: single nucleotide variant.
Coding change: c.3593G>T on transcript NM_032776.3 (MANE Select); coding-DNA position 3593, G replaced by T.
Protein change: p.Arg1198Leu; replaces arginine 1198 with leucine.
Molecular consequence: missense variant. On other transcripts: non-coding transcript variant (1).
Genome position (GRCh38, 1-based): chr10:63,208,076, C>A on the plus strand (G>T on the coding strand, the complement: JMJD1C is on the minus strand). VCF-style: chr10-63208076-C-A. GRCh37 (hg19) VCF-style: chr10-64967836-C-A.
Other names: c.3047G>T, p.Arg1016Leu (NM_001282948.2, NM_001318154.2); c.2729G>T, p.Arg910Leu (NM_001318153.2); c.3479G>T, p.Arg1160Leu (NM_001322252.2); c.2936G>T, p.Arg979Leu (NM_001322254.2, NM_001322258.2); short protein forms R1016L, R1160L, R1198L, R910L, R979L.
Identifiers: ClinVar variation 940205 (VCV000940205.9), dbSNP rs766251480, ClinGen allele CA377041075.